The following is an entry in ClinVar:

NM_001148.6(ANK2):c.4371+5C>T

Gene: ANK2 (ankyrin 2; plus strand). Cytogenetic location: 4q26.
Variant type: single nucleotide variant.
Coding change: c.4371+5C>T on transcript NM_001148.6 (MANE Select); 5 bases into the intron after coding-DNA position 4371, C replaced by T.
Molecular consequence: intron variant.
Genome position (GRCh38, 1-based): chr4:113,346,027, C>T. VCF-style: chr4-113346027-C-T. GRCh37 (hg19) VCF-style: chr4-114267183-C-T.
Other names: c.4356+5C>T (NM_001386186.2, NM_001386148.2); c.4158+5C>T (NM_001354269.3); c.4236+5C>T (NM_001386187.2); c.4230+5C>T (NM_001386147.1, NM_001354261.2); c.4215+5C>T (NM_001386160.1); c.4320+5C>T (NM_001354254.2); c.4341+5C>T (NM_001354239.2, NM_001354252.2); c.4242+5C>T (NM_001354272.2); and 31 more.
Identifiers: ClinVar variation 377477 (VCV000377477.10), dbSNP rs891690526, ClinGen allele CA16605028.
Genomic context (GRCh38, chr4:113,346,027, plus strand): 5'-GCCTGGTGCATCAAGCTATTTGCAACTTAAACATCACTTTGCCGATTTATACAAAGGTAT[C>T]GTAAAATCTGCTATAGTGCAATTCAGGTAGAGTAGGAATTGATTTTTAAATCTTGTTTTA-3'

ClinVar aggregate classification (germline): Conflicting classifications of pathogenicity. Review status: criteria provided, conflicting classifications (1 of 4 stars). 3 submissions from 3 submitters: Uncertain significance (2); Likely benign (1). Last evaluated 2025-04-24.

Conditions:
Cardiovascular phenotype. Identifiers: MedGen CN230736.
Long QT syndrome (LQTS). Identifiers: MedGen C0023976, MeSH D008133, MONDO:0002442. Disease mechanism: loss of function. Inheritance: Various modes of inheritance.

Allele frequency attached by ClinVar (database versions not stated): gnomAD 0.00001; TOPMed 0.00002.
gnomAD v4.1: 29 of 1,612,756 alleles (0.0018%); highest among the groups gnomAD compares: Non-Finnish European, 0.0025%; no homozygotes.

Submissions (3):

Labcorp Genetics (formerly Invitae), Labcorp
Classification: Uncertain significance for Long QT syndrome. Last evaluated: 2025-04-24. Review status: criteria provided, single submitter. Criteria: Invitae Variant Classification Sherloc (09022015). Collection method: clinical testing. Allele origin: germline.
Comment: This sequence change falls in intron 35 of the ANK2 gene. It does not directly change the encoded amino acid sequence of the ANK2 protein. It affects a nucleotide within the consensus splice site. This variant is not present in population databases (gnomAD no frequency). This variant has not been reported in the literature in individuals affected with ANK2-related conditions. ClinVar contains an entry for this variant (Variation ID: 377477). Variants that disrupt the consensus splice site are a relatively common cause of aberrant splicing (PMID: 17576681, 9536098). Algorithms developed to predict the effect of sequence changes on RNA splicing suggest that this variant is not likely to affect RNA splicing. In summary, the available evidence is currently insufficient to determine the role of this variant in disease. Therefore, it has been classified as a Variant of Uncertain Significance.

Ambry Genetics
Classification: Uncertain significance for Cardiovascular phenotype. Last evaluated: 2024-11-13. Review status: criteria provided, single submitter. Criteria: Ambry Variant Classification Scheme 2023. Collection method: clinical testing. Allele origin: germline.
Comment: The c.4371+5C>T intronic variant results from a C to T substitution 5 nucleotides after coding exon 35 in the ANK2 gene. This nucleotide position is poorly conserved in available vertebrate species. In silico splice site analysis predicts that this alteration will not have any significant effect on splicing. Based on the available evidence, the clinical significance of this variant remains unclear.

GeneDx
Classification: Likely benign. Last evaluated: 2016-07-25. Review status: criteria provided, single submitter. Criteria: GeneDx Variant Classification (06012015). Collection method: clinical testing. Allele origin: germline. Affected: yes.
Comment: This variant is considered likely benign or benign based on one or more of the following criteria: it is a conservative change, it occurs at a poorly conserved position in the protein, it is predicted to be benign by multiple in silico algorithms, and/or has population frequency not consistent with disease.

Literature cited by the submitters: PubMed 17576681 (cited by Labcorp Genetics (formerly Invitae), Labcorp); PubMed 9536098 (cited by Labcorp Genetics (formerly Invitae), Labcorp).